The following is an entry in ClinVar:

ClinVar aggregate classification (germline): Uncertain significance. Review status: criteria provided, multiple submitters, no conflicts (2 of 4 stars). 4 submissions from 4 submitters: Uncertain significance (4). Last evaluated 2026-04-21.

Conditions:
Short-rib thoracic dysplasia 10 with or without polydactyly (SRTD10). Identifiers: Orphanet 474, MedGen C3810175, MONDO:0014284, OMIM 615630.
Bardet-Biedl syndrome 20. Identifiers: MedGen C4310707, MONDO:0023670, OMIM 619471, MONDO:0014926.
Retinitis pigmentosa 71 (RP71). Identifiers: Orphanet 791, MedGen C4225342, MONDO:0014618, OMIM 616394.
IFT172-related disorder. Also called: IFT172-related disorders; IFT172-related condition.

Allele frequency attached by ClinVar (database versions not stated): TOPMed 0.00001; gnomAD 0.00001.
gnomAD v4.1: 2 of 1,613,890 alleles (0.00012%); highest among the groups gnomAD compares: African/African-American, 0.0027%; no homozygotes.

Submissions (4):

PreventionGenetics, part of Exact Sciences
Classification: Uncertain significance for IFT172-related condition. Last evaluated: 2026-04-21. Review status: criteria provided, single submitter. Criteria: ACMG Guidelines, 2015. Collection method: clinical testing. Allele origin: germline.
Comment: The IFT172 c.5120C>T variant is predicted to result in the amino acid substitution p.Ala1707Val. To our knowledge, this variant has not been reported in the literature or in a large population database (gnomAD), indicating this variant is rare. At this time, the clinical significance of this variant is uncertain due to the absence of conclusive functional and genetic evidence.

Fulgent Genetics
Classification: Uncertain significance for Short-rib thoracic dysplasia 10 with or without polydactyly; Retinitis pigmentosa 71; Bardet-Biedl syndrome 20. Last evaluated: 2024-03-04. Review status: criteria provided, single submitter. Criteria: ACMG Guidelines, 2015. Collection method: clinical testing. Allele origin: germline.

GeneDx
Classification: Uncertain significance. Last evaluated: 2023-03-05. Review status: criteria provided, single submitter. Criteria: GeneDx Variant Classification Process June 2021. Collection method: clinical testing. Allele origin: germline. Affected: yes.
Comment: Not observed at significant frequency in large population cohorts (gnomAD); In silico analysis supports that this missense variant does not alter protein structure/function; Has not been previously published as pathogenic or benign to our knowledge

Labcorp Genetics (formerly Invitae), Labcorp
Classification: Uncertain significance for Retinitis pigmentosa 71; Short-rib thoracic dysplasia 10 with or without polydactyly. Last evaluated: 2022-04-16. Review status: criteria provided, single submitter. Criteria: Invitae Variant Classification Sherloc (09022015). Collection method: clinical testing. Allele origin: germline.
Comment: In summary, the available evidence is currently insufficient to determine the role of this variant in disease. Therefore, it has been classified as a Variant of Uncertain Significance. Algorithms developed to predict the effect of missense changes on protein structure and function output the following: SIFT: "Tolerated"; PolyPhen-2: "Benign"; Align-GVGD: "Class C0". The valine amino acid residue is found in multiple mammalian species, which suggests that this missense change does not adversely affect protein function. This variant has not been reported in the literature in individuals affected with IFT172-related conditions. This variant is not present in population databases (gnomAD no frequency). This sequence change replaces alanine, which is neutral and non-polar, with valine, which is neutral and non-polar, at codon 1707 of the IFT172 protein (p.Ala1707Val).

NM_015662.3(IFT172):c.5120C>T (p.Ala1707Val)

Genes: IFT172 (intraflagellar transport 172; minus strand), KRTCAP3 (keratinocyte associated protein 3; plus strand). Cytogenetic location: 2p23.3.
Variant type: single nucleotide variant.
Coding change: c.5120C>T on transcript NM_015662.3 (MANE Select); coding-DNA position 5120, C replaced by T.
Protein change: p.Ala1707Val; replaces alanine 1707 with valine.
Molecular consequence: missense variant. On other transcripts: intron variant (1).
Genome position (GRCh38, 1-based): chr2:27,445,054, G>A on the plus strand (C>T on the coding strand, the complement: IFT172 is on the minus strand). VCF-style: chr2-27445054-G-A. GRCh37 (hg19) VCF-style: chr2-27667921-G-A.
Other names: c.5054C>T, p.Ala1685Val (NM_001410739.1); c.*5+993G>A (NM_001168364.2); short protein forms A1707V, A1685V.
Identifiers: ClinVar variation 2148841 (VCV002148841.6), dbSNP rs1220735933, ClinGen allele CA346412676.
Genomic context (GRCh38, chr2:27,445,054, plus strand): 5'-TCCAAGTCCTCCTCTCTAACCTTGATGGCCATAAGGAATTTATTCCAGTTGTCCTTGTTA[G>A]CAGCCTTCCCTGGCCGCTTAAATTCAATTTTGTTCCTCAGAATGGGGTATCCTGTGGAGG-3'
Protein context (NP_056477.1, residues 1697-1717): KIEFKRPGKA[Ala1707Val]NKDNWNKFLM